The following is an entry in ClinVar:

ClinVar aggregate classification (germline): Pathogenic (1 of 4 stars; one submission).

Conditions:
Mosaic variegated aneuploidy syndrome 1 (MVA1). Also called: Warburton-Anyane-Yeboa syndrome. Identifiers: Orphanet 1052, MedGen C1850343, MONDO:0009759, OMIM 257300.

Allele frequency attached by ClinVar (database versions not stated): gnomAD exomes below 0.00001; ExAC 0.00001.
gnomAD v4.1: 2 of 1,613,598 alleles (0.00012%); highest among the groups gnomAD compares: Non-Finnish European, 0.000085%; no homozygotes.

Submission:

Labcorp Genetics (formerly Invitae), Labcorp
Classification: Pathogenic for Mosaic variegated aneuploidy syndrome 1. Last evaluated: 2022-09-23. Review status: criteria provided, single submitter. Criteria: Invitae Variant Classification Sherloc (09022015). Collection method: clinical testing. Allele origin: germline.
Comment: For these reasons, this variant has been classified as Pathogenic. Algorithms developed to predict the effect of sequence changes on RNA splicing suggest that this variant may disrupt the consensus splice site. This sequence change creates a premature translational stop signal (p.Gln460*) in the BUB1B gene. It is expected to result in an absent or disrupted protein product. Loss-of-function variants in BUB1B are known to be pathogenic (PMID: 15475955, 21190457). This variant is present in population databases (rs75763304, gnomAD 0.0009%). This variant has not been reported in the literature in individuals affected with BUB1B-related conditions.

Literature cited by the submitters: PubMed 15475955; PubMed 21190457.

NM_001211.6(BUB1B):c.1378C>T (p.Gln460Ter)

Gene: BUB1B (BUB1 mitotic checkpoint serine/threonine kinase B; plus strand). Cytogenetic location: 15q15.1.
Variant type: single nucleotide variant.
Coding change: c.1378C>T on transcript NM_001211.6 (MANE Select); coding-DNA position 1378, C replaced by T.
Protein change: p.Gln460Ter; replaces glutamine 460 with a stop codon.
Molecular consequence: nonsense.
Genome position (GRCh38, 1-based): chr15:40,199,704, C>T. VCF-style: chr15-40199704-C-T. GRCh37 (hg19) VCF-style: chr15-40491905-C-T.
Other names: short protein forms Q460*.
Identifiers: ClinVar variation 2187691 (VCV002187691.4), dbSNP rs75763304, ClinGen allele CA7475717.